The following is an entry in ClinVar:

ClinVar aggregate classification (germline): Uncertain significance (1 of 4 stars; one submission).

gnomAD v4.1: 4 of 1,613,952 alleles (0.00025%); highest among the groups gnomAD compares: South Asian, 0.0011%; no homozygotes.

Submission:

Labcorp Genetics (formerly Invitae), Labcorp
Classification: Uncertain significance. Last evaluated: 2026-01-11. Review status: criteria provided, single submitter. Criteria: Invitae Variant Classification Sherloc (09022015). Collection method: clinical testing. Allele origin: germline.
Comment: This sequence change replaces asparagine, which is neutral and polar, with serine, which is neutral and polar, at codon 904 of the CACNA1D protein (p.Asn904Ser). This variant is present in population databases (rs769988052, gnomAD 0.003%). This variant has not been reported in the literature in individuals affected with CACNA1D-related conditions. Invitae Evidence Modeling of protein sequence and biophysical properties (such as structural, functional, and spatial information, amino acid conservation, physicochemical variation, residue mobility, and thermodynamic stability) indicates that this missense variant is not expected to disrupt CACNA1D protein function with a negative predictive value of 80%. In summary, the available evidence is currently insufficient to determine the role of this variant in disease. Therefore, it has been classified as a Variant of Uncertain Significance.

NM_001128840.3(CACNA1D):c.2651A>G (p.Asn884Ser)

Gene: CACNA1D (calcium voltage-gated channel subunit alpha1 D; plus strand). Cytogenetic location: 3p21.1.
Variant type: single nucleotide variant.
Coding change: c.2651A>G on transcript NM_001128840.3 (MANE Select); coding-DNA position 2651, A replaced by G.
Protein change: p.Asn884Ser; replaces asparagine 884 with serine.
Molecular consequence: missense variant.
Genome position (GRCh38, 1-based): chr3:53,735,403, A>G. VCF-style: chr3-53735403-A-G. GRCh37 (hg19) VCF-style: chr3-53769430-A-G.
Other names: c.2711A>G, p.Asn904Ser (NM_000720.4); c.2651A>G, p.Asn884Ser (NM_001128839.3); short protein forms N884S, N904S.
Identifiers: ClinVar variation 4808405 (VCV004808405.1).
Genomic context (GRCh38, chr3:53,735,403, plus strand): 5'-ACTGTTTCCAAGCAGCGGCTTTTCCCTGCAGGATCCGCGTAGGCTGCCACAAGCTCATCA[A>G]CCACCACATCTTCACCAACCTCATCCTTGTCTTCATCATGCTGAGCAGCGCTGCCCTGGC-3'
Protein context (NP_001122312.1, residues 874-894): PIRVGCHKLI[Asn884Ser]HHIFTNLILV